The following is an entry in ClinVar:

NM_014780.5(CUL7):c.688C>T (p.Leu230Phe)

Gene: CUL7 (cullin 7; minus strand). Cytogenetic location: 6p21.1.
Variant type: single nucleotide variant.
Coding change: c.688C>T on transcript NM_014780.5 (MANE Select); coding-DNA position 688, C replaced by T.
Protein change: p.Leu230Phe; replaces leucine 230 with phenylalanine.
Molecular consequence: missense variant.
Genome position (GRCh38, 1-based): chr6:43,051,656, G>A on the plus strand (C>T on the coding strand, the complement: CUL7 is on the minus strand). VCF-style: chr6-43051656-G-A. GRCh37 (hg19) VCF-style: chr6-43019394-G-A.
Other names: c.784C>T, p.Leu262Phe (NM_001168370.2, NM_001374872.1); c.688C>T, p.Leu230Phe (NM_001374873.1, NM_001374874.1); short protein forms L230F, L262F.
Identifiers: ClinVar variation 1983010 (VCV001983010.6), dbSNP rs141335998, ClinGen allele CA3814328.

ClinVar aggregate classification (germline): Uncertain significance. Review status: criteria provided, multiple submitters, no conflicts (2 of 4 stars). 2 submissions from 2 submitters: Uncertain significance (2). Last evaluated 2025-08-24.

Conditions:
Inborn genetic diseases. Identifiers: MedGen C0950123, MeSH D030342.

Allele frequency attached by ClinVar (database versions not stated): ExAC 0.00002; gnomAD exomes 0.00002; TOPMed 0.00002; gnomAD 0.00003; ESP Exome Variant Server 0.00008.

Submissions (2):

Ambry Genetics
Classification: Uncertain significance for Inborn genetic diseases. Last evaluated: 2025-08-24. Review status: criteria provided, single submitter. Criteria: Ambry Variant Classification Scheme 2023. Collection method: clinical testing. Allele origin: germline.

Labcorp Genetics (formerly Invitae), Labcorp
Classification: Uncertain significance. Last evaluated: 2022-07-11. Review status: criteria provided, single submitter. Criteria: Invitae Variant Classification Sherloc (09022015). Collection method: clinical testing. Allele origin: germline.
Comment: In summary, the available evidence is currently insufficient to determine the role of this variant in disease. Therefore, it has been classified as a Variant of Uncertain Significance. Algorithms developed to predict the effect of missense changes on protein structure and function are either unavailable or do not agree on the potential impact of this missense change (SIFT: "Tolerated"; PolyPhen-2: "Probably Damaging"; Align-GVGD: "Class C0"). This variant has not been reported in the literature in individuals affected with CUL7-related conditions. This variant is present in population databases (rs141335998, gnomAD 0.004%). This sequence change replaces leucine, which is neutral and non-polar, with phenylalanine, which is neutral and non-polar, at codon 230 of the CUL7 protein (p.Leu230Phe).